The following is an entry in ClinVar:

ClinVar aggregate classification (germline): Likely pathogenic. Review status: criteria provided, multiple submitters, no conflicts (2 of 4 stars). 2 submissions from 2 submitters: Likely pathogenic (2). Last evaluated 2024-11-29.

Conditions:
Autosomal recessive nonsyndromic hearing loss 77. Identifiers: Orphanet 90636, MedGen C2746083, MONDO:0013119, OMIM 613079.

Allele frequency attached by ClinVar (database versions not stated): gnomAD exomes below 0.00001.
gnomAD v4.1: 1 of 1,551,548 alleles (0.000064%); no homozygotes.

Submissions (2):

Labcorp Genetics (formerly Invitae), Labcorp
Classification: Likely pathogenic. Last evaluated: 2024-11-29. Review status: criteria provided, single submitter. Criteria: Invitae Variant Classification Sherloc (09022015). Collection method: clinical testing. Allele origin: germline.
Comment: This sequence change affects an acceptor splice site in intron 31 of the LOXHD1 gene. It is expected to disrupt RNA splicing. Variants that disrupt the donor or acceptor splice site typically lead to a loss of protein function (PMID: 16199547), and loss-of-function variants in LOXHD1 are known to be pathogenic (PMID: 19732867, 21465660, 25792669). This variant is not present in population databases (gnomAD no frequency). This variant has not been reported in the literature in individuals affected with LOXHD1-related conditions. ClinVar contains an entry for this variant (Variation ID: 1526186). Algorithms developed to predict the effect of sequence changes on RNA splicing suggest that this variant may disrupt the consensus splice site. In summary, the currently available evidence indicates that the variant is pathogenic, but additional data are needed to prove that conclusively. Therefore, this variant has been classified as Likely Pathogenic.

3billion
Classification: Likely pathogenic for Autosomal recessive nonsyndromic hearing loss 77. Last evaluated: 2022-03-22. Review status: criteria provided, single submitter. Criteria: ACMG Guidelines, 2015. Collection method: clinical testing. Allele origin: germline. Affected: yes. Observed: 1 heterozygote.
Comment: Canonical splice site: predicted to alter splicing and result in a loss or disruption of normal protein function through nonsense-mediated decay (NMD) or protein truncation. Multiple pathogenic variants are reported downstream of the variant.It is not observed in the gnomAD v2.1.1 dataset. Therefore, this variant is classified as likely pathogenic according to the recommendation of ACMG/AMP guideline.

Literature cited by the submitters: PubMed 16199547 (cited by Labcorp Genetics (formerly Invitae), Labcorp); PubMed 19732867 (cited by Labcorp Genetics (formerly Invitae), Labcorp); PubMed 21465660 (cited by Labcorp Genetics (formerly Invitae), Labcorp); PubMed 25792669 (cited by Labcorp Genetics (formerly Invitae), Labcorp).

NM_001384474.1(LOXHD1):c.4877-1G>A

Gene: LOXHD1 (lipoxygenase homology PLAT domains 1; minus strand). Cytogenetic location: 18q21.1.
Variant type: single nucleotide variant.
Coding change: c.4877-1G>A on transcript NM_001384474.1 (MANE Select); the canonical splice acceptor site of the intron before coding-DNA position 4877, G replaced by A.
Molecular consequence: splice acceptor variant.
Genome position (GRCh38, 1-based): chr18:46,522,310, C>T on the plus strand (G>A on the coding strand, the complement: LOXHD1 is on the minus strand). VCF-style: chr18-46522310-C-T. GRCh37 (hg19) VCF-style: chr18-44102273-C-T.
Other names: c.1544-1G>A (NM_001145472.3); c.1256-1G>A (NM_001308013.2); c.4877-1G>A (NM_144612.7).
Identifiers: ClinVar variation 1526186 (VCV001526186.3), dbSNP rs1598909650, ClinGen allele CA402372168.